The following is an entry in ClinVar:

ClinVar aggregate classification (germline): Pathogenic/Likely pathogenic. Review status: criteria provided, multiple submitters, no conflicts (2 of 4 stars). 2 submissions from 2 submitters: Pathogenic (1); Likely pathogenic (1). Last evaluated 2026-07-27.

Conditions:
Trimethylaminuria (TMAU). Also called: FISH-ODOR SYNDROME; Fish malodor syndrome; Stale fish syndrome; TMAuria; Primary Trimethylaminuria. Identifiers: MedGen C0342739, MONDO:0011182, OMIM 602079, HP:0003614. Disease mechanism: loss of function.

Submissions (2):

Myriad Genetics, Inc.
Classification: Pathogenic for Trimethylaminuria. Last evaluated: 2026-07-27. Review status: criteria provided, single submitter. Criteria: Myriad Autosomal Dominant, Autosomal Recessive and X-Linked Classification Criteria (2023). Collection method: clinical testing. Allele origin: unknown.
Comment: NM_001002294.2(FMO3):c.155_191del37ins18(A52Vfs*9) is a frameshift variant classified as pathogenic in the context of primary trimethylaminuria. A52Vfs*9 has not been observed in cases with relevant disease. Relevant functional assessments of this variant are not available in the literature. A52Vfs*9 has not been observed in referenced population frequency databases. In summary, NM_001002294.2(FMO3):c.155_191del37ins18(A52Vfs*9) is a frameshift variant in a gene where loss of function is a known mechanism of disease and is predicted to disrupt protein function. Please note: this variant was assessed in the context of healthy population screening.

Fulgent Genetics
Classification: Likely pathogenic for Trimethylaminuria. Last evaluated: 2024-02-21. Review status: criteria provided, single submitter. Criteria: ACMG Guidelines, 2015. Collection method: clinical testing. Allele origin: germline.

NM_001002294.3(FMO3):c.155_191delinsTCCATCACAGGACCATGC (p.Ala52fs)

Gene: FMO3 (flavin containing dimethylaniline monoxygenase 3; plus strand). Cytogenetic location: 1q24.3.
Variant type: Indel.
Coding change: c.155_191delinsTCCATCACAGGACCATGC on transcript NM_001002294.3 (MANE Select); coding-DNA positions 155 to 191, the reference bases replaced by TCCATCACAGGACCATGC.
Protein change: p.Ala52fs; shifts the reading frame from alanine 52.
Molecular consequence: frameshift variant. On other transcripts: intron variant (1).
Genome position (GRCh38, 1-based): chr1:171,103,807-171,103,843, 37 bases replaced. GRCh37 (hg19): chr1:171,072,948-171,072,984.
Other names: c.95_131delinsTCCATCACAGGACCATGC, p.Ala32fs (NM_001319173.2); c.155_191delinsTCCATCACAGGACCATGC, p.Ala52fs (NM_006894.6); c.133-3868_133-3832delinsTCCATCACAGGACCATGC (NM_001319174.2); short protein forms A32fs, A52fs.
Identifiers: ClinVar variation 3573938 (VCV003573938.2).